The following is an entry in ClinVar:

ClinVar aggregate classification (germline): Uncertain significance (1 of 4 stars; one submission).

Allele frequency attached by ClinVar (database versions not stated): gnomAD 0.00001; TOPMed 0.00001.
gnomAD v4.1: 5 of 1,613,148 alleles (0.00031%); highest among the groups gnomAD compares: Non-Finnish European, 0.00042%; no homozygotes.

Submission:

Labcorp Genetics (formerly Invitae), Labcorp
Classification: Uncertain significance. Last evaluated: 2024-10-15. Review status: criteria provided, single submitter. Criteria: Invitae Variant Classification Sherloc (09022015). Collection method: clinical testing. Allele origin: germline.
Comment: This sequence change replaces threonine, which is neutral and polar, with serine, which is neutral and polar, at codon 278 of the RGS9 protein (p.Thr278Ser). This variant is present in population databases (no rsID available, gnomAD 0.0009%). This variant has not been reported in the literature in individuals affected with RGS9-related conditions. ClinVar contains an entry for this variant (Variation ID: 1466355). Invitae Evidence Modeling of protein sequence and biophysical properties (such as structural, functional, and spatial information, amino acid conservation, physicochemical variation, residue mobility, and thermodynamic stability) indicates that this missense variant is not expected to disrupt RGS9 protein function with a negative predictive value of 80%. In summary, the available evidence is currently insufficient to determine the role of this variant in disease. Therefore, it has been classified as a Variant of Uncertain Significance.

NM_003835.4(RGS9):c.833C>G (p.Thr278Ser)

Gene: RGS9 (regulator of G protein signaling 9; plus strand). Cytogenetic location: 17q24.1.
Variant type: single nucleotide variant.
Coding change: c.833C>G on transcript NM_003835.4 (MANE Select); coding-DNA position 833, C replaced by G.
Protein change: p.Thr278Ser; replaces threonine 278 with serine.
Molecular consequence: missense variant.
Genome position (GRCh38, 1-based): chr17:65,193,629, C>G. VCF-style: chr17-65193629-C-G. GRCh37 (hg19) VCF-style: chr17-63189747-C-G.
Other names: c.824C>G, p.Thr275Ser (NM_001081955.3, NM_001165933.2); short protein forms T275S, T278S.
Identifiers: ClinVar variation 1466355 (VCV001466355.7), dbSNP rs968978926, ClinGen allele CA293056286.